The following is an entry in ClinVar:

NM_014921.5(ADGRL1):c.4222C>G (p.Pro1408Ala)

Genes: ADGRL1 (adhesion G protein-coupled receptor L1; minus strand), ADGRL1-AS1 (ADGRL1 antisense RNA 1; plus strand). Cytogenetic location: 19p13.12.
Variant type: single nucleotide variant.
Coding change: c.4222C>G on transcript NM_014921.5 (MANE Select); coding-DNA position 4222, C replaced by G.
Protein change: p.Pro1408Ala; replaces proline 1408 with alanine.
Molecular consequence: missense variant.
Genome position (GRCh38, 1-based): chr19:14,151,061, G>C on the plus strand (C>G on the coding strand, the complement: ADGRL1 is on the minus strand). VCF-style: chr19-14151061-G-C. GRCh37 (hg19) VCF-style: chr19-14261873-G-C.
Other names: c.4237C>G, p.Pro1413Ala (NM_001008701.3); short protein forms P1408A, P1413A.
Identifiers: ClinVar variation 4886101 (VCV004886101.2).

ClinVar aggregate classification (germline): Uncertain significance (1 of 4 stars; one submission).

Submission:

Dasa
Classification: Uncertain significance. Last evaluated: 2026-03-19. Review status: criteria provided, single submitter. Criteria: DASA Assertion Criteria. Collection method: clinical testing. Allele origin: germline.
Comment: NM_014921.5(ADGRL1):c.4222C>G (p.Pro1408Ala) is a missense variant that results in the substitution of proline with alanine. This variant is rare in population databases. Computational prediction algorithms are consistent with a benign effect. The currently available literature and clinical evidence are not sufficient to establish a definitive association between this variant and the reported condition. Therefore, this variant is classified as a variant of uncertain significance.